The following is an entry in ClinVar:

NM_000038.6(APC):c.4912A>G (p.Met1638Val)

Gene: APC (APC regulator of Wnt signaling pathway; plus strand). Cytogenetic location: 5q22.2.
Variant type: single nucleotide variant.
Coding change: c.4912A>G on transcript NM_000038.6 (MANE Select); coding-DNA position 4912, A replaced by G.
Protein change: p.Met1638Val; replaces methionine 1638 with valine.
Molecular consequence: missense variant.
Genome position (GRCh38, 1-based): chr5:112,840,506, A>G. VCF-style: chr5-112840506-A-G. GRCh37 (hg19) VCF-style: chr5-112176203-A-G.
Other names: c.4912A>G, p.Met1638Val (NM_001127510.3, NM_001354895.2); c.4858A>G, p.Met1620Val (NM_001127511.3); c.4966A>G, p.Met1656Val (NM_001354896.2); c.4942A>G, p.Met1648Val (NM_001354897.2); c.4837A>G, p.Met1613Val (NM_001354898.2); c.4828A>G, p.Met1610Val (NM_001354899.2); c.4789A>G, p.Met1597Val (NM_001354900.2); c.4735A>G, p.Met1579Val (NM_001354901.2); and 5 more; short protein forms M1478V, M1537V, M1579V, M1355V, M1597V, M1610V, M1638V, M1656V.
Identifiers: ClinVar variation 857366 (VCV000857366.17), dbSNP rs1765804123, ClinGen allele CA16032093.
Genomic context (GRCh38, chr5:112,840,506, plus strand): 5'-CTACCATCACAAAACAGGTTGCAACCCCAAAAGCATGTTAGTTTTACACCGGGGGATGAT[A>G]TGCCACGGGTGTATTGTGTTGAAGGGACACCTATAAACTTTTCCACAGCTACATCTCTAA-3'
Protein context (NP_000029.2, residues 1628-1648): KHVSFTPGDD[Met1638Val]PRVYCVEGTP

ClinVar aggregate classification (germline): Uncertain significance. Review status: criteria provided, multiple submitters, no conflicts (2 of 4 stars). 5 submissions from 5 submitters: Uncertain significance (5). Last evaluated 2025-07-22.

Conditions:
Hereditary cancer-predisposing syndrome. Also called: Tumor predisposition; Hereditary neoplastic syndrome; Neoplastic Syndromes, Hereditary; Hereditary Cancer Syndrome. Identifiers: Orphanet 140162, MedGen C0027672, MeSH D009386, MONDO:0015356.
Familial adenomatous polyposis 1 (FAP1). Also called: FAMILIAL ADENOMATOUS POLYPOSIS 1, ATTENUATED; POLYPOSIS, ADENOMATOUS INTESTINAL. Identifiers: MedGen C2713442, MONDO:0021056, OMIM 175100. Disease mechanism: loss of function.
Classic or attenuated familial adenomatous polyposis. Identifiers: MedGen CN372698, MONDO:0021057.

Submissions (5):

Quest Diagnostics Nichols Institute San Juan Capistrano
Classification: Uncertain significance. Last evaluated: 2025-07-22. Review status: criteria provided, single submitter. Criteria: Quest Diagnostics criteria. Collection method: clinical testing. Allele origin: unknown.
Comment: The APC c.4912A>G (p.Met1638Val) variant has not been reported in individuals with APC-related conditions in the published literature. This variant has not been reported in large, multi-ethnic general populations (Genome Aggregation Database). Analysis of this variant using bioinformatics tools for the prediction of the effect of amino acid changes on protein structure and function yielded conflicting predictions that this variant is deleterious or benign. Based on the available information, we are unable to determine the clinical significance of this variant.

Color Diagnostics, LLC DBA Color Health
Classification: Uncertain significance for Hereditary cancer-predisposing syndrome. Last evaluated: 2025-07-11. Review status: criteria provided, single submitter. Criteria: ACMG Guidelines, 2015. Collection method: clinical testing. Allele origin: germline.
Comment: This missense variant replaces methionine with valine at codon 1638 of the APC protein. Computational prediction suggests that this variant may not impact protein structure and function. To our knowledge, functional studies have not been reported for this variant. This variant has not been reported in individuals affected with APC-related disorders in the literature. This variant has not been identified in the general population by the Genome Aggregation Database (gnomAD). The available evidence is insufficient to determine the role of this variant in disease conclusively. Therefore, this variant is classified as a Variant of Uncertain Significance.

Labcorp Genetics (formerly Invitae), Labcorp
Classification: Uncertain significance for Familial adenomatous polyposis 1. Last evaluated: 2024-11-26. Review status: criteria provided, single submitter. Criteria: Invitae Variant Classification Sherloc (09022015). Collection method: clinical testing. Allele origin: germline.
Comment: This sequence change replaces methionine, which is neutral and non-polar, with valine, which is neutral and non-polar, at codon 1638 of the APC protein (p.Met1638Val). This variant is not present in population databases (gnomAD no frequency). This variant has not been reported in the literature in individuals affected with APC-related conditions. ClinVar contains an entry for this variant (Variation ID: 857366). Invitae Evidence Modeling of protein sequence and biophysical properties (such as structural, functional, and spatial information, amino acid conservation, physicochemical variation, residue mobility, and thermodynamic stability) indicates that this missense variant is not expected to disrupt APC protein function with a negative predictive value of 95%. In summary, the available evidence is currently insufficient to determine the role of this variant in disease. Therefore, it has been classified as a Variant of Uncertain Significance.

Ambry Genetics
Classification: Uncertain significance for Hereditary cancer-predisposing syndrome. Last evaluated: 2024-01-09. Review status: criteria provided, single submitter. Criteria: Ambry Variant Classification Scheme 2023. Collection method: clinical testing. Allele origin: germline.
Comment: The p.M1638V variant (also known as c.4912A>G), located in coding exon 15 of the APC gene, results from an A to G substitution at nucleotide position 4912. The methionine at codon 1638 is replaced by valine, an amino acid with highly similar properties. This amino acid position is not well conserved in available vertebrate species, and valine is the reference amino acid in other vertebrate species. In addition, in silico predictors for this gene do not accurately predict pathogenicity. Since supporting evidence is limited at this time, the clinical significance of this alteration remains unclear.

All of Us Research Program, National Institutes of Health
Classification: Uncertain significance for Classic or attenuated familial adenomatous polyposis. Last evaluated: 2023-04-27. Review status: criteria provided, single submitter. Criteria: ACMG Guidelines, 2015. Collection method: clinical testing. Allele origin: germline. Inheritance: Autosomal dominant inheritance. Observed: 1 variant allele, 1 heterozygote.
Comment: This missense variant replaces methionine with valine at codon 1638 of the APC protein. Computational prediction suggests that this variant may not impact protein structure and function (internally defined REVEL score threshold <= 0.5, PMID: 27666373). To our knowledge, functional studies have not been reported for this variant. This variant has not been reported in individuals affected with hereditary cancer in the literature. This variant has not been identified in the general population by the Genome Aggregation Database (gnomAD). The available evidence is insufficient to determine the role of this variant in disease conclusively. Therefore, this variant is classified as a Variant of Uncertain Significance.

This study involves interpretation of variants in research participants for the purpose of population health screening. Participant phenotype was not available at the time of variant classification. Additional details can be found in publication PMID: 35346344, PMCID: PMC8962531